The following is an entry in ClinVar:

ClinVar aggregate classification (germline): Uncertain significance (1 of 4 stars; one submission).

Allele frequency attached by ClinVar (database versions not stated): TOPMed 0.00001; gnomAD 0.00001.
gnomAD v4.1: 1 of 1,208,676 alleles (0.000083%); highest among the groups gnomAD compares: Admixed American, 0.0022%; no homozygotes.

Submission:

GeneDx
Classification: Uncertain significance. Last evaluated: 2026-08-27. Review status: criteria provided, single submitter. Criteria: GeneDx Variant Classification Process June 2021. Collection method: clinical testing. Allele origin: germline.
Comment: Not observed at significant frequency in large population cohorts (gnomAD); In silico analysis suggests that this missense variant does not alter protein structure/function; Has not been previously published as pathogenic or benign to our knowledge

NM_153252.5(BRWD3):c.4798C>G (p.His1600Asp)

Gene: BRWD3 (bromodomain and WD repeat domain containing 3; minus strand). Cytogenetic location: Xq21.1.
Variant type: single nucleotide variant.
Coding change: c.4798C>G on transcript NM_153252.5 (MANE Select); coding-DNA position 4798, C replaced by G.
Protein change: p.His1600Asp; replaces histidine 1600 with aspartic acid.
Molecular consequence: missense variant.
Genome position (GRCh38, 1-based): chrX:80,677,220, G>C on the plus strand (C>G on the coding strand, the complement: BRWD3 is on the minus strand). VCF-style: chrX-80677220-G-C. GRCh37 (hg19) VCF-style: chrX-79932719-G-C.
Other names: short protein forms H1600D.
Identifiers: ClinVar variation 2446626 (VCV002446626.2), dbSNP rs1170132074, ClinGen allele CA413747269.
Genomic context (GRCh38, chrX:80,677,220, plus strand): 5'-CACAGGTACTTTCAGAACTTAAACTGGATCCTAACTCTCCACTCTCTGAGGTGGATAAAT[G>C]AGATTTCTCTTTTGTTTCTTTTTTCTCTTTATCTTCTCCTCCCATGTTTTCATCTTCTTC-3'
Protein context (NP_694984.5, residues 1590-1610): KEKKETKEKS[His1600Asp]LSTSESGELG